The following is an entry in ClinVar:

NM_005228.5(EGFR):c.3454G>A (p.Asp1152Asn)

Gene: EGFR (epidermal growth factor receptor; plus strand). Cytogenetic location: 7p11.2.
Variant type: single nucleotide variant.
Coding change: c.3454G>A on transcript NM_005228.5 (MANE Select); coding-DNA position 3454, G replaced by A.
Protein change: p.Asp1152Asn; replaces aspartic acid 1152 with asparagine.
Molecular consequence: missense variant.
Genome position (GRCh38, 1-based): chr7:55,205,438, G>A. VCF-style: chr7-55205438-G-A. GRCh37 (hg19) VCF-style: chr7-55273131-G-A.
Other names: c.3319G>A, p.Asp1107Asn (NM_001346899.2); c.3295G>A, p.Asp1099Asn (NM_001346900.2); c.2653G>A, p.Asp885Asn (NM_001346941.2); c.3454G>A (NM_005228.3); short protein forms D1099N, D1107N, D1152N, D885N.
Identifiers: ClinVar variation 1035563 (VCV001035563.9), dbSNP rs368892932, ClinGen allele CA4266406.

ClinVar aggregate classification (germline): Conflicting classifications of pathogenicity. Review status: criteria provided, conflicting classifications (1 of 4 stars). 2 submissions from 2 submitters: Uncertain significance (1); Likely benign (1). Last evaluated 2025-12-10.

Conditions:
Hereditary cancer-predisposing syndrome. Also called: Hereditary neoplastic syndrome; Neoplastic Syndromes, Hereditary; Tumor predisposition; Hereditary Cancer Syndrome. Identifiers: Orphanet 140162, MedGen C0027672, MeSH D009386, MONDO:0015356.
EGFR-related lung cancer (EGFR). Identifiers: MedGen CN130014.

Allele frequency attached by ClinVar (database versions not stated): TOPMed 0.00001.
gnomAD v4.1: 5 of 1,613,944 alleles (0.00031%); highest among the groups gnomAD compares: Non-Finnish European, 0.00034%; no homozygotes.

Submissions (2):

Labcorp Genetics (formerly Invitae), Labcorp
Classification: Uncertain significance for EGFR-related lung cancer. Last evaluated: 2025-12-10. Review status: criteria provided, single submitter. Criteria: Invitae Variant Classification Sherloc (09022015). Collection method: clinical testing. Allele origin: germline.
Comment: This sequence change replaces aspartic acid, which is acidic and polar, with asparagine, which is neutral and polar, at codon 1152 of the EGFR protein (p.Asp1152Asn). This variant is present in population databases (rs368892932, gnomAD 0.003%). This variant has not been reported in the literature in individuals affected with EGFR-related conditions. ClinVar contains an entry for this variant (Variation ID: 1035563). An algorithm developed to predict the effect of missense changes on protein structure and function outputs the following: PolyPhen-2: "Benign". The asparagine amino acid residue is found in multiple mammalian species, which suggests that this missense change does not adversely affect protein function. In summary, the available evidence is currently insufficient to determine the role of this variant in disease. Therefore, it has been classified as a Variant of Uncertain Significance.

Ambry Genetics
Classification: Likely benign for Hereditary cancer-predisposing syndrome. Last evaluated: 2025-02-10. Review status: criteria provided, single submitter. Criteria: Ambry Variant Classification Scheme 2023. Collection method: clinical testing. Allele origin: germline.